The following is an entry in ClinVar:

NM_001103.4(ACTN2):c.1473C>G (p.Asp491Glu)

Gene: ACTN2 (actinin alpha 2; plus strand). Cytogenetic location: 1q43.
Variant type: single nucleotide variant.
Coding change: c.1473C>G on transcript NM_001103.4 (MANE Select); coding-DNA position 1473, C replaced by G.
Protein change: p.Asp491Glu; replaces aspartic acid 491 with glutamic acid.
Molecular consequence: missense variant. On other transcripts: non-coding transcript variant (1).
Genome position (GRCh38, 1-based): chr1:236,747,733, C>G. VCF-style: chr1-236747733-C-G. GRCh37 (hg19) VCF-style: chr1-236911033-C-G.
Other names: c.1473C>G, p.Asp491Glu (NM_001278343.2); c.849C>G, p.Asp283Glu (NM_001278344.2); c.723C>G, p.Asp241Glu (NM_001412150.1); short protein forms D283E, D241E, D491E.
Identifiers: ClinVar variation 2941766 (VCV002941766.3), dbSNP rs2527623764, ClinGen allele CA345384082.

ClinVar aggregate classification (germline): Uncertain significance (1 of 4 stars; one submission).

Conditions:
Primary familial hypertrophic cardiomyopathy (HCM). Identifiers: Orphanet 99739, MedGen C0949658, MeSH D024741, MONDO:0024573. Inheritance: Various modes of inheritance.
Dilated cardiomyopathy 1AA (CMD1AA). Also called: Cardiomyopathy, dilated, 1AA, with or without LVNC; CARDIOMYOPATHY, DILATED, 1AA, WITH OR WITHOUT LEFT VENTRICULAR NONCOMPACTION; CARDIOMYOPATHY, FAMILIAL HYPERTROPHIC, 23, WITH OR WITHOUT LEFT VENTRICULAR NONCOMPACTION. Identifiers: Orphanet 154, MedGen C2677338, MONDO:0012808, OMIM 612158.

Submission:

Labcorp Genetics (formerly Invitae), Labcorp
Classification: Uncertain significance for Primary familial hypertrophic cardiomyopathy; Dilated cardiomyopathy 1AA. Last evaluated: 2023-12-24. Review status: criteria provided, single submitter. Criteria: Invitae Variant Classification Sherloc (09022015). Collection method: clinical testing. Allele origin: germline.
Comment: This sequence change replaces aspartic acid, which is acidic and polar, with glutamic acid, which is acidic and polar, at codon 491 of the ACTN2 protein (p.Asp491Glu). This variant is not present in population databases (gnomAD no frequency). This variant has not been reported in the literature in individuals affected with ACTN2-related conditions. Advanced modeling of protein sequence and biophysical properties (such as structural, functional, and spatial information, amino acid conservation, physicochemical variation, residue mobility, and thermodynamic stability) performed at Invitae indicates that this missense variant is not expected to disrupt ACTN2 protein function with a negative predictive value of 80%. In summary, the available evidence is currently insufficient to determine the role of this variant in disease. Therefore, it has been classified as a Variant of Uncertain Significance.